The following is an entry in ClinVar:

NM_020791.4(TAOK1):c.313A>G (p.Met105Val)

Gene: TAOK1 (TAO kinase 1; plus strand). Cytogenetic location: 17q11.2.
Variant type: single nucleotide variant.
Coding change: c.313A>G on transcript NM_020791.4 (MANE Select); coding-DNA position 313, A replaced by G.
Protein change: p.Met105Val; replaces methionine 105 with valine.
Molecular consequence: missense variant.
Genome position (GRCh38, 1-based): chr17:29,477,667, A>G. VCF-style: chr17-29477667-A-G. GRCh37 (hg19) VCF-style: chr17-27804685-A-G.
Other names: c.313A>G, p.Met105Val (NM_025142.1); short protein forms M105V.
Identifiers: ClinVar variation 3906408 (VCV003906408.1).

ClinVar aggregate classification (germline): Uncertain significance (1 of 4 stars; one submission).

Submission:

GeneDx
Classification: Uncertain significance. Last evaluated: 2024-12-21. Review status: criteria provided, single submitter. Criteria: GeneDx Variant Classification Process June 2021. Collection method: clinical testing. Allele origin: germline. Affected: yes.
Comment: Not observed at significant frequency in large population cohorts (gnomAD); In silico analysis supports that this missense variant has a deleterious effect on protein structure/function; Has not been previously published as pathogenic or benign to our knowledge